The following is an entry in ClinVar:

ClinVar aggregate classification (germline): Uncertain significance (1 of 4 stars; one submission).

Conditions:
Hyper-IgE recurrent infection syndrome 1, autosomal dominant. Also called: JOB SYNDROME; Job's Syndrome; STAT3 Hyper IgE Syndrome; Hyper-IgE recurrent infection syndrome 1; HYPER-IgE SYNDROME 1, AUTOSOMAL DOMINANT, WITH RECURRENT INFECTIONS. Identifiers: Orphanet 2314, MedGen C2936739, MONDO:0007818, OMIM 147060.
STAT3 gain of function. Identifiers: MedGen C4288261.

Submission:

Labcorp Genetics (formerly Invitae), Labcorp
Classification: Uncertain significance for STAT3 gain of function; Hyper-IgE recurrent infection syndrome 1, autosomal dominant. Last evaluated: 2023-07-03. Review status: criteria provided, single submitter. Criteria: Invitae Variant Classification Sherloc (09022015). Collection method: clinical testing. Allele origin: germline.
Comment: This sequence change replaces alanine, which is neutral and non-polar, with threonine, which is neutral and polar, at codon 662 of the STAT3 protein (p.Ala662Thr). This variant is not present in population databases (gnomAD no frequency). This variant has not been reported in the literature in individuals affected with STAT3-related conditions. Advanced modeling of protein sequence and biophysical properties (such as structural, functional, and spatial information, amino acid conservation, physicochemical variation, residue mobility, and thermodynamic stability) performed at Invitae indicates that this missense variant is expected to disrupt STAT3 protein function. In summary, the available evidence is currently insufficient to determine the role of this variant in disease. Therefore, it has been classified as a Variant of Uncertain Significance.

NM_139276.3(STAT3):c.1984G>A (p.Ala662Thr)

Gene: STAT3 (signal transducer and activator of transcription 3; minus strand). Cytogenetic location: 17q21.2.
Variant type: single nucleotide variant.
Coding change: c.1984G>A on transcript NM_139276.3 (MANE Select); coding-DNA position 1984, G replaced by A.
Protein change: p.Ala662Thr; replaces alanine 662 with threonine.
Molecular consequence: missense variant.
Genome position (GRCh38, 1-based): chr17:42,322,399, C>T on the plus strand (G>A on the coding strand, the complement: STAT3 is on the minus strand). VCF-style: chr17-42322399-C-T. GRCh37 (hg19) VCF-style: chr17-40474417-C-T.
Other names: c.1984G>A, p.Ala662Thr (NM_001369512.1, NM_001369513.1, NM_001369514.1 and 9 more transcripts); c.1900G>A, p.Ala634Thr (NM_001384984.1); c.1906G>A, p.Ala636Thr (NM_001384985.1); c.1999G>A, p.Ala667Thr (NM_001384986.1, NM_001384990.1); c.1963G>A, p.Ala655Thr (NM_001384987.1); c.1888G>A, p.Ala630Thr (NM_001384989.1); c.1957G>A, p.Ala653Thr (NM_001384991.1); c.1924G>A, p.Ala642Thr (NM_001384992.1); short protein forms A630T, A636T, A653T, A634T, A655T, A642T, A662T, A667T.
Identifiers: ClinVar variation 2948861 (VCV002948861.3), dbSNP rs2144680861, ClinGen allele CA399581857.